The following is an entry in ClinVar:

NM_002863.5(PYGL):c.508_510delinsTAA (p.Lys170Ter)

Gene: PYGL (glycogen phosphorylase L; minus strand). Cytogenetic location: 14q22.1.
Variant type: Indel.
Coding change: c.508_510delinsTAA on transcript NM_002863.5 (MANE Select); coding-DNA positions 508 to 510, AAG replaced by TAA.
Protein change: p.Lys170Ter; replaces lysine 170 with a stop codon.
Molecular consequence: nonsense.
Genome position (GRCh38, 1-based): chr14:50,931,691-50,931,693, CTT replaced by TTA on the plus strand (AAG replaced by TAA on the coding strand, the reverse complement: PYGL is on the minus strand). VCF-style: chr14-50931691-CTT-TTA. GRCh37 (hg19) VCF-style: chr14-51398409-CTT-TTA.
Other names: c.406_408delinsTAA, p.Lys136Ter (NM_001163940.2); short protein forms K136*, K170*.
Identifiers: ClinVar variation 827812 (VCV000827812.2), dbSNP rs1596047883, ClinGen allele CA915948823.

ClinVar aggregate classification (germline): Pathogenic (1 of 4 stars; one submission).

Conditions:
Glycogen storage disease, type VI (GSD6). Also called: HERS DISEASE; PHOSPHORYLASE DEFICIENCY GLYCOGEN-STORAGE DISEASE OF LIVER; Glycogen storage disease type 6, due to phosphorylation; GSD VI; Glycogen storage disease type 6; Hepatic glycogen phosphorylase deficiency. Identifiers: Orphanet 369, MedGen C0017925, MONDO:0009294, OMIM 232700.

Submission:

Equipe Genetique des Anomalies du Developpement, Université de Bourgogne
Classification: Pathogenic for Glycogen storage disease, type VI. Last evaluated: 2019-06-11. Review status: criteria provided, single submitter. Criteria: ACMG Guidelines, 2015. Collection method: clinical testing. Allele origin: inherited. Affected: yes. Observed: 3 variant alleles.
Comment: homozygous variant